The following is an entry in ClinVar:

ClinVar aggregate classification (germline): Uncertain significance (1 of 4 stars; one submission).

Conditions:
Holoprosencephaly 9 (HPE9). Also called: PITUITARY ANOMALIES WITH HOLOPROSENCEPHALY-LIKE FEATURES; HOLOPROSENCEPHALY WITH MICROPHTHALMIA AND FIRST BRANCHIAL ARCH ANOMALIES. Identifiers: Orphanet 2162, MedGen C1835819, MONDO:0012563, OMIM 610829.
Postaxial polydactyly-anterior pituitary anomalies-facial dysmorphism syndrome. Also called: Culler-Jones syndrome. Identifiers: Orphanet 420584, MedGen C4014479, MONDO:0014369, OMIM 615849.

gnomAD v4.1: 2 of 1,320,746 alleles (0.00015%); highest among the groups gnomAD compares: Admixed American, 0.0036%; no homozygotes.

Submission:

Labcorp Genetics (formerly Invitae), Labcorp
Classification: Uncertain significance for Postaxial polydactyly-anterior pituitary anomalies-facial dysmorphism syndrome; Holoprosencephaly 9. Last evaluated: 2025-04-23. Review status: criteria provided, single submitter. Criteria: Invitae Variant Classification Sherloc (09022015). Collection method: clinical testing. Allele origin: germline.
Comment: This sequence change replaces alanine, which is neutral and non-polar, with threonine, which is neutral and polar, at codon 922 of the GLI2 protein (p.Ala922Thr). The frequency data for this variant in the population databases is considered unreliable, as metrics indicate poor data quality at this position in the gnomAD database. This variant has not been reported in the literature in individuals affected with GLI2-related conditions. Invitae Evidence Modeling of protein sequence and biophysical properties (such as structural, functional, and spatial information, amino acid conservation, physicochemical variation, residue mobility, and thermodynamic stability) indicates that this missense variant is not expected to disrupt GLI2 protein function with a negative predictive value of 80%. In summary, the available evidence is currently insufficient to determine the role of this variant in disease. Therefore, it has been classified as a Variant of Uncertain Significance.

NM_001374353.1(GLI2):c.2713G>A (p.Ala905Thr)

Gene: GLI2 (GLI family zinc finger 2; plus strand). Cytogenetic location: 2q14.2.
Variant type: single nucleotide variant.
Coding change: c.2713G>A on transcript NM_001374353.1 (MANE Select); coding-DNA position 2713, G replaced by A.
Protein change: p.Ala905Thr; replaces alanine 905 with threonine.
Molecular consequence: missense variant.
Genome position (GRCh38, 1-based): chr2:120,988,678, G>A. VCF-style: chr2-120988678-G-A. GRCh37 (hg19) VCF-style: chr2-121746254-G-A.
Other names: c.2764G>A, p.Ala922Thr (NM_001371271.1, NM_005270.5); c.2338G>A, p.Ala780Thr (NM_001374354.1); short protein forms A905T, A922T, A780T.
Identifiers: ClinVar variation 4793641 (VCV004793641.1).